The following is an entry in ClinVar:

NM_001244926.2(PRPF4):c.418G>A (p.Gly140Ser)

Gene: PRPF4 (pre-mRNA splicing tri-snRNP complex factor PRPF4; plus strand). Cytogenetic location: 9q32.
Variant type: single nucleotide variant.
Coding change: c.418G>A on transcript NM_001244926.2 (MANE Select); coding-DNA position 418, G replaced by A.
Protein change: p.Gly140Ser; replaces glycine 140 with serine.
Molecular consequence: missense variant. On other transcripts: 5 prime UTR variant (2), non-coding transcript variant (2).
Genome position (GRCh38, 1-based): chr9:113,282,671, G>A. VCF-style: chr9-113282671-G-A. GRCh37 (hg19) VCF-style: chr9-116044951-G-A.
Other names: c.-348G>A (NM_001322266.2, NM_001322267.2); c.421G>A, p.Gly141Ser (NM_004697.5); c.421G>A (NM_004697.4); short protein forms G141S, G140S.
Identifiers: ClinVar variation 2052269 (VCV002052269.5), dbSNP rs1832317454, ClinGen allele CA374552670.

ClinVar aggregate classification (germline): Uncertain significance. Review status: criteria provided, multiple submitters, no conflicts (2 of 4 stars). 2 submissions from 2 submitters: Uncertain significance (2). Last evaluated 2025-09-25.

Allele frequency attached by ClinVar (database versions not stated): gnomAD exomes below 0.00001; gnomAD 0.00001.

Submissions (2):

Ambry Genetics
Classification: Uncertain significance. Last evaluated: 2025-09-25. Review status: criteria provided, single submitter. Criteria: Ambry Variant Classification Scheme 2023. Collection method: clinical testing. Allele origin: germline.

Labcorp Genetics (formerly Invitae), Labcorp
Classification: Uncertain significance. Last evaluated: 2022-07-15. Review status: criteria provided, single submitter. Criteria: Invitae Variant Classification Sherloc (09022015). Collection method: clinical testing. Allele origin: germline.
Comment: In summary, the available evidence is currently insufficient to determine the role of this variant in disease. Therefore, it has been classified as a Variant of Uncertain Significance. Algorithms developed to predict the effect of missense changes on protein structure and function (SIFT, PolyPhen-2, Align-GVGD) all suggest that this variant is likely to be tolerated. This variant has not been reported in the literature in individuals affected with PRPF4-related conditions. This variant is not present in population databases (gnomAD no frequency). This sequence change replaces glycine, which is neutral and non-polar, with serine, which is neutral and polar, at codon 141 of the PRPF4 protein (p.Gly141Ser).